The following is an entry in ClinVar:

ClinVar aggregate classification (germline): Uncertain significance (1 of 4 stars; one submission).

Conditions:
Inborn genetic diseases. Identifiers: MedGen C0950123, MeSH D030342.

Submission:

Ambry Genetics
Classification: Uncertain significance for Inborn genetic diseases. Last evaluated: 2025-09-27. Review status: criteria provided, single submitter. Criteria: Ambry Variant Classification Scheme 2023. Collection method: clinical testing. Allele origin: germline.
Comment: The p.V140L variant (also known as c.418G>C), located in coding exon 1 of the SAMD9 gene, results from a G to C substitution at nucleotide position 418. The valine at codon 140 is replaced by leucine, an amino acid with highly similar properties. This amino acid position is conserved. In addition, this alteration is predicted to be tolerated by in silico analysis. Based on the available evidence, the clinical significance of this variant remains unclear.

NM_017654.4(SAMD9):c.418G>C (p.Val140Leu)

Gene: SAMD9 (sterile alpha motif domain containing 9; minus strand). Cytogenetic location: 7q21.2.
Variant type: single nucleotide variant.
Coding change: c.418G>C on transcript NM_017654.4 (MANE Select); coding-DNA position 418, G replaced by C.
Protein change: p.Val140Leu; replaces valine 140 with leucine.
Molecular consequence: missense variant.
Genome position (GRCh38, 1-based): chr7:93,105,680, C>G on the plus strand (G>C on the coding strand, the complement: SAMD9 is on the minus strand). VCF-style: chr7-93105680-C-G. GRCh37 (hg19) VCF-style: chr7-92734993-C-G.
Other names: c.418G>C, p.Val140Leu (NM_001193307.2); short protein forms V140L.
Identifiers: ClinVar variation 4629830 (VCV004629830.1).
Genomic context (GRCh38, chr7:93,105,680, plus strand): 5'-TCAGGTCTATGGATGGTTGCCTTTCCTTTGTATAATCTATTTTATCTTCTATGAGCTCAA[C>G]TTTTAGTGACTTAGAACCTTTAGCAGTTGTACTCATTGCAGACGGATTAGCCATATCTGG-3'
Protein context (NP_060124.2, residues 130-150): TTAKGSKSLK[Val140Leu]ELIEDKIDYT